The following is an entry in ClinVar:

NM_198129.4(LAMA3):c.9515A>T (p.His3172Leu)

Gene: LAMA3 (laminin subunit alpha 3; plus strand). Cytogenetic location: 18q11.2.
Variant type: single nucleotide variant.
Coding change: c.9515A>T on transcript NM_198129.4 (MANE Select); coding-DNA position 9515, A replaced by T.
Protein change: p.His3172Leu; replaces histidine 3172 with leucine.
Molecular consequence: missense variant.
Genome position (GRCh38, 1-based): chr18:23,950,032, A>T. VCF-style: chr18-23950032-A-T. GRCh37 (hg19) VCF-style: chr18-21529996-A-T.
Other names: c.4688A>T, p.His1563Leu (NM_000227.6); c.9347A>T, p.His3116Leu (NM_001127717.4); c.4520A>T, p.His1507Leu (NM_001127718.4); short protein forms H3172L, H3116L, H1507L, H1563L.
Identifiers: ClinVar variation 4977510 (VCV004977510.1).
Genomic context (GRCh38, chr18:23,950,032, plus strand): 5'-TATCCTGTTTTCTTTCATGGTGATGCTTTAACTTTTGCTTTGTTTCTCTTTTGAAAGCTC[A>T]CTCTGTATTGTTGGGGCCAGAATTTAAGCTTGTTTTCAGCATCCGCCCAAGAAGTCTCAC-3'
Protein context (NP_937762.2, residues 3162-3182): SEEGGHVVLA[His3172Leu]SVLLGPEFKL

ClinVar aggregate classification (germline): Uncertain significance (1 of 4 stars; one submission).

Conditions:
LAMA3-related disorder. Also called: LAMA3-related disorders; LAMA3-related condition.

gnomAD v4.1: 4 of 1,613,952 alleles (0.00025%); highest among the groups gnomAD compares: African/African-American, 0.0027%; no homozygotes.

Submission:

PreventionGenetics, part of Exact Sciences
Classification: Uncertain significance for LAMA3-related condition. Last evaluated: 2025-05-01. Review status: criteria provided, single submitter. Criteria: ACMG Guidelines, 2015. Collection method: clinical testing. Allele origin: germline.
Comment: The LAMA3 c.4688A>T variant is predicted to result in the amino acid substitution p.His1563Leu. To our knowledge, this variant has not been reported in the literature. To date, this variant is reported in 1 out of ~251,392 alleles in gnomAD. At this time, the clinical significance of this variant is uncertain due to the absence of conclusive functional and genetic evidence.